The following is an entry in ClinVar:

NM_000435.3(NOTCH3):c.2741_2742inv (p.Pro914Leu)

Gene: NOTCH3 (notch receptor 3; minus strand). Cytogenetic location: 19p13.12.
Variant type: Inversion.
Coding change: c.2741_2742inv on transcript NM_000435.3 (MANE Select).
Protein change: p.Pro914Leu; replaces proline 914 with leucine.
Molecular consequence: missense variant.
Genome position: GRCh38 VCF-style: chr19-15181626-TG-CA. GRCh37 (hg19) VCF-style: chr19-15292437-TG-CA.
Other names: short protein forms P914L.
Identifiers: ClinVar variation 2863520 (VCV002863520.3), ClinGen allele CA2739276587.

ClinVar aggregate classification (germline): Uncertain significance (1 of 4 stars; one submission).

Submission:

Labcorp Genetics (formerly Invitae), Labcorp
Classification: Uncertain significance. Last evaluated: 2023-02-09. Review status: criteria provided, single submitter. Criteria: Invitae Variant Classification Sherloc (09022015). Collection method: clinical testing. Allele origin: germline.
Comment: This sequence change replaces proline, which is neutral and non-polar, with leucine, which is neutral and non-polar, at codon 914 of the NOTCH3 protein (p.Pro914Leu). The frequency data for this variant in the population databases is considered unreliable, as metrics indicate poor data quality at this position in the gnomAD database. This variant has not been reported in the literature in individuals affected with NOTCH3-related conditions. An algorithm developed to predict the effect of missense changes on protein structure and function (PolyPhen-2) suggests that this variant is likely to be disruptive. In summary, the available evidence is currently insufficient to determine the role of this variant in disease. Therefore, it has been classified as a Variant of Uncertain Significance.